The following is an entry in ClinVar:

NM_001349723.3(DNAJB5):c.147T>G (p.Leu49=)

Gene: DNAJB5 (DnaJ heat shock protein family (Hsp40) member B5; plus strand). Cytogenetic location: 9p13.3.
Variant type: single nucleotide variant.
Coding change: c.147T>G on transcript NM_001349723.3 (MANE Select); coding-DNA position 147, T replaced by G.
Protein change: p.Leu49=; no amino-acid change (leucine 49 retained).
Molecular consequence: synonymous variant. On other transcripts: intron variant (2).
Genome position (GRCh38, 1-based): chr9:34,990,777, T>G. VCF-style: chr9-34990777-T-G. GRCh37 (hg19) VCF-style: chr9-34990774-T-G.
Other names: c.33T>G, p.Leu11= (NM_001135004.3, NM_001349725.2); c.147T>G, p.Leu49= (NM_001135005.3); c.-35+166T>G (NM_001349724.2); c.-35+946T>G (NM_012266.6).
Identifiers: ClinVar variation 2659165 (VCV002659165.24), dbSNP rs762294145, ClinGen allele CA5038099.

ClinVar aggregate classification (germline): Likely benign (1 of 4 stars; one submission).

Allele frequency attached by ClinVar (database versions not stated): ExAC 0.00005; gnomAD 0.00025; TOPMed 0.00025; gnomAD exomes 0.00029.
gnomAD v4.1: 447 of 1,551,500 alleles (0.029%); highest among the groups gnomAD compares: Non-Finnish European, 0.035%; no homozygotes.

Submission:

CeGaT Center for Human Genetics Tuebingen
Classification: Likely benign. Last evaluated: 2024-05-01. Review status: criteria provided, single submitter. Criteria: CeGaT Center For Human Genetics Tuebingen Variant Classification Criteria Version 2. Collection method: clinical testing. Allele origin: germline. Affected: yes. Observed: 2 variant alleles.
Comment: DNAJB5: BP4, BP7